The following is an entry in ClinVar:

ClinVar aggregate classification (germline): Pathogenic (1 of 4 stars; one submission).

Submission:

Labcorp Genetics (formerly Invitae), Labcorp
Classification: Pathogenic. Last evaluated: 2024-11-30. Review status: criteria provided, single submitter. Criteria: Invitae Variant Classification Sherloc (09022015). Collection method: clinical testing. Allele origin: germline.
Comment: This sequence change creates a premature translational stop signal (p.Asp3912Metfs*2) in the DNAH9 gene. It is expected to result in an absent or disrupted protein product. Loss-of-function variants in DNAH9 are known to be pathogenic (PMID: 30471718). This variant is present in population databases (rs762599726, gnomAD 0.004%). This variant has not been reported in the literature in individuals affected with DNAH9-related conditions. For these reasons, this variant has been classified as Pathogenic.

Literature cited by the submitters: PubMed 30471718.

NM_001372.4(DNAH9):c.11734del (p.Asp3912fs)

Gene: DNAH9 (dynein axonemal heavy chain 9; plus strand). Cytogenetic location: 17p12.
Variant type: Deletion.
Coding change: c.11734del on transcript NM_001372.4 (MANE Select); coding-DNA position 11734, one base deleted (G; older notation c.11734delG).
Protein change: p.Asp3912fs; shifts the reading frame from aspartic acid 3912.
Molecular consequence: frameshift variant.
Genome position (GRCh38, 1-based): chr17:11,905,794, G deleted; the last of 2 consecutive G bases (chr17:11,905,793-11,905,794); deleting either gives the same sequence. VCF-style (leftmost placement, unchanged base first): chr17-11905792-AG-A. GRCh37 (hg19) VCF-style: chr17-11809109-AG-A.
Other names: c.670del, p.Asp224fs (NM_004662.2); short protein forms D224fs, D3912fs.
Identifiers: ClinVar variation 3726400 (VCV003726400.2).